The following is an entry in ClinVar:

ClinVar aggregate classification (germline): Uncertain significance (1 of 4 stars; one submission).

Conditions:
Infantile spasms. Also called: Infantile spasm. Identifiers: MedGen C3887898, HP:0012469.

Submission:

Labcorp Genetics (formerly Invitae), Labcorp
Classification: Uncertain significance for Infantile spasms. Last evaluated: 2022-03-19. Review status: criteria provided, single submitter. Criteria: Invitae Variant Classification Sherloc (09022015). Collection method: clinical testing. Allele origin: germline.
Comment: In summary, the available evidence is currently insufficient to determine the role of this variant in disease. Therefore, it has been classified as a Variant of Uncertain Significance. This variant has not been reported in the literature in individuals affected with PIK3AP1-related conditions. This variant results in a copy number gain of the genomic region encompassing exon(s) 1-7 of the PIK3AP1 gene. This region includes the initiator codon of the gene. This copy number gain extends beyond the assayed region for this gene and therefore may encompass additional genes. As the precise location of this event is unknown, it may be in tandem or it may be located elsewhere in the genome.

NC_000010.10:g.(?_98408406)_(98480151_?)dup

Gene: PIK3AP1 (phosphoinositide-3-kinase adaptor protein 1; minus strand). Cytogenetic location: 10q24.1.
Variant type: Duplication.
Identifiers: ClinVar variation 1025480 (VCV001025480.6).